The following is an entry in ClinVar:

NM_000550.3(TYRP1):c.1088G>A (p.Ser363Asn)

Genes: LURAP1L-AS1 (LURAP1L antisense RNA 1; minus strand), TYRP1 (tyrosinase related protein 1; plus strand). Cytogenetic location: 9p23.
Variant type: single nucleotide variant.
Coding change: c.1088G>A on transcript NM_000550.3 (MANE Select); coding-DNA position 1088, G replaced by A.
Protein change: p.Ser363Asn; replaces serine 363 with asparagine.
Molecular consequence: missense variant.
Genome position (GRCh38, 1-based): chr9:12,704,532, G>A. VCF-style: chr9-12704532-G-A. GRCh37 (hg19) VCF-style: chr9-12704532-G-A.
Other names: short protein forms S363N.
Identifiers: ClinVar variation 2066115 (VCV002066115.4), dbSNP rs1262926492, ClinGen allele CA372942360.

ClinVar aggregate classification (germline): Uncertain significance. Review status: criteria provided, multiple submitters, no conflicts (2 of 4 stars). 2 submissions from 2 submitters: Uncertain significance (2). Last evaluated 2023-11-27.

Allele frequency attached by ClinVar (database versions not stated): gnomAD 0.00001; gnomAD exomes 0.00001.

Submissions (2):

Labcorp Genetics (formerly Invitae), Labcorp
Classification: Uncertain significance. Last evaluated: 2023-11-27. Review status: criteria provided, single submitter. Criteria: Invitae Variant Classification Sherloc (09022015). Collection method: clinical testing. Allele origin: germline.
Comment: This sequence change replaces serine, which is neutral and polar, with asparagine, which is neutral and polar, at codon 363 of the TYRP1 protein (p.Ser363Asn). This variant is present in population databases (no rsID available, gnomAD 0.002%). This variant has not been reported in the literature in individuals affected with TYRP1-related conditions. ClinVar contains an entry for this variant (Variation ID: 2066115). Advanced modeling of protein sequence and biophysical properties (such as structural, functional, and spatial information, amino acid conservation, physicochemical variation, residue mobility, and thermodynamic stability) performed at Invitae indicates that this missense variant is not expected to disrupt TYRP1 protein function with a negative predictive value of 80%. In summary, the available evidence is currently insufficient to determine the role of this variant in disease. Therefore, it has been classified as a Variant of Uncertain Significance.

Blueprint Genetics
Classification: Uncertain significance. Last evaluated: 2022-11-08. Review status: criteria provided, single submitter. Criteria: ACMG Guidelines, 2015. Collection method: clinical testing. Allele origin: germline.